The following is an entry in ClinVar:

NM_018100.4(EFHC1):c.1820A>G (p.Asn607Ser)

Gene: EFHC1 (EF-hand domain containing 1; plus strand). Cytogenetic location: 6p12.2.
Variant type: single nucleotide variant.
Coding change: c.1820A>G on transcript NM_018100.4 (MANE Select); coding-DNA position 1820, A replaced by G.
Protein change: p.Asn607Ser; replaces asparagine 607 with serine.
Molecular consequence: missense variant. On other transcripts: non-coding transcript variant (1).
Genome position (GRCh38, 1-based): chr6:52,490,319, A>G. VCF-style: chr6-52490319-A-G. GRCh37 (hg19) VCF-style: chr6-52355117-A-G.
Other names: c.1763A>G, p.Asn588Ser (NM_001172420.2); short protein forms N607S, N588S.
Identifiers: ClinVar variation 287376 (VCV000287376.26), dbSNP rs115475262, ClinGen allele CA3856179.

ClinVar aggregate classification (germline): Conflicting classifications of pathogenicity. Review status: criteria provided, conflicting classifications (1 of 4 stars). 7 submissions from 7 submitters: Uncertain significance (1); Benign (4); Likely benign (1). 1 of the submissions does not count toward it. Last evaluated 2025-08-21.

Conditions:
EFHC1-related disorder. Also called: EFHC1-related condition.
Myoclonic epilepsy, juvenile, susceptibility to, 1. Also called: Myoclonic Epilepsy, Juvenile, 1; EJM1. Identifiers: MedGen C1850778, MONDO:0020752, OMIM 254770.
Absence seizure. Also called: Absence epilepsy. Identifiers: Orphanet 1941, MedGen C0014553.

Allele frequency attached by ClinVar (database versions not stated): gnomAD exomes 0.00014 and 0.00035; ExAC 0.00048; TOPMed 0.00129; 1000 Genomes Project 30x 0.00422; gnomAD 0.00137 and 0.00140; ESP Exome Variant Server 0.00169; 1000 Genomes Project 0.00399.
gnomAD v4.1: 416 of 1,614,166 alleles (0.026%); highest among the groups gnomAD compares: African/African-American, 0.5%; 1 homozygote.

Submissions (7):

Ambry Genetics
Classification: Uncertain significance. Last evaluated: 2025-08-21. Review status: criteria provided, single submitter. Criteria: Ambry Variant Classification Scheme 2023. Collection method: clinical testing. Allele origin: germline.

Labcorp Genetics (formerly Invitae), Labcorp
Classification: Benign for Myoclonic epilepsy, juvenile, susceptibility to, 1; Absence seizure. Last evaluated: 2025-04-14. Review status: criteria provided, single submitter. Criteria: Invitae Variant Classification Sherloc (09022015). Collection method: clinical testing. Allele origin: germline.

Blueprint Genetics
Classification: Likely benign. Last evaluated: 2024-05-28. Review status: criteria provided, single submitter. Criteria: ACMG Guidelines, 2015. Collection method: clinical testing. Allele origin: germline.

Eurofins Ntd Llc (ga)
Classification: Benign. Last evaluated: 2016-05-18. Review status: criteria provided, single submitter. Criteria: EGL Classification Definitions 2015. Collection method: clinical testing. Allele origin: germline. Observed: 1 variant allele, 1 heterozygote.

Genetic Services Laboratory, University of Chicago
Classification: Benign. Last evaluated: 2015-12-14. Review status: criteria provided, single submitter. Criteria: ACMG Guidelines, 2015. Collection method: clinical testing. Allele origin: germline. Affected: no.

GeneDx
Classification: Benign. Last evaluated: 2015-03-03. Review status: criteria provided, single submitter. Criteria: GeneDx Variant Classification Process June 2021. Collection method: clinical testing. Allele origin: germline. Affected: yes.

PreventionGenetics, part of Exact Sciences
Classification: Benign for EFHC1-related condition. Last evaluated: 2020-01-06. Review status: no assertion criteria provided. Collection method: clinical testing. Allele origin: germline. Not counted in ClinVar's aggregate classification.
Comment: This variant is classified as benign based on ACMG/AMP sequence variant interpretation guidelines (Richards et al. 2015 PMID: 25741868, with internal and published modifications).